The following is an entry in ClinVar:

NC_000001.10:g.(?_215799113)_(215802387_?)del

Gene: USH2A (usherin; minus strand). Cytogenetic location: 1q41.
Variant type: Deletion.
Identifiers: ClinVar variation 2427749 (VCV002427749.4).

ClinVar aggregate classification (germline): Pathogenic (1 of 4 stars; one submission).

Submission:

Labcorp Genetics (formerly Invitae), Labcorp
Classification: Pathogenic. Last evaluated: 2022-03-19. Review status: criteria provided, single submitter. Criteria: Invitae Variant Classification Sherloc (09022015). Collection method: clinical testing. Allele origin: germline.
Comment: This variant is a gross deletion of the genomic region encompassing exon(s) 71-72 of the USH2A gene, which includes the termination codon. This deletion extends beyond the assayed region for this gene and therefore may encompass additional genes. While this deletion is not anticipated to lead to nonsense mediated decay, it is expected to alter mRNA translation or result in a truncated protein product. For these reasons, this variant has been classified as Pathogenic. This variant disrupts a region of the USH2A protein in which other variant(s) (p.Ile5166Val) have been determined to be pathogenic (PMID: 26969326, 27460420, 32531858). This suggests that this is a clinically significant region of the protein, and that variants that disrupt it are likely to be disease-causing. This variant has not been reported in the literature in individuals affected with USH2A-related conditions.

Literature cited by the submitters: PubMed 26969326; PubMed 27460420; PubMed 32531858.